The following is an entry in ClinVar:

NM_018319.4(TDP1):c.756+9C>T

Gene: TDP1 (tyrosyl-DNA phosphodiesterase 1; plus strand). Cytogenetic location: 14q32.11.
Variant type: single nucleotide variant.
Coding change: c.756+9C>T on transcript NM_018319.4 (MANE Select); 9 bases into the intron after coding-DNA position 756, C replaced by T.
Molecular consequence: intron variant.
Genome position (GRCh38, 1-based): chr14:89,971,280, C>T. VCF-style: chr14-89971280-C-T. GRCh37 (hg19) VCF-style: chr14-90437624-C-T.
Other names: c.756+9C>T (NM_001330205.2, NM_001008744.2).
Identifiers: ClinVar variation 3571632 (VCV003571632.1).

ClinVar aggregate classification (germline): Uncertain significance (1 of 4 stars; one submission).

gnomAD v4.1: 1 of 1,610,542 alleles (0.000062%); highest among the groups gnomAD compares: Non-Finnish European, 0.000085%; no homozygotes.

Submission:

Athena Diagnostics
Classification: Uncertain significance. Last evaluated: 2024-03-19. Review status: criteria provided, single submitter. Criteria: Athena Diagnostics Criteria. Collection method: clinical testing. Allele origin: unknown.
Comment: Available data are insufficient to determine the clinical significance of the variant at this time. This variant has not been reported in large, multi-ethnic general populations. Computational tools yielded predictions that this variant is unlikely to have an effect on normal RNA splicing.